The following is an entry in ClinVar:

NM_001077350.3(NPRL3):c.1251del (p.Ser417fs)

Genes: HBA-LCR (alpha-globin locus control region; plus strand), NPRL3 (NPR3 like, GATOR1 complex subunit; minus strand). Cytogenetic location: 16p13.3.
Variant type: Deletion.
Coding change: c.1251del on transcript NM_001077350.3 (MANE Select); coding-DNA position 1251, one base deleted (C; older notation c.1251delC).
Protein change: p.Ser417fs; shifts the reading frame from serine 417.
Molecular consequence: frameshift variant.
Genome position (GRCh38, 1-based): chr16:89,813, G deleted on the plus strand (C on the coding strand, the reverse complement: NPRL3 is on the minus strand). VCF-style (leftmost placement, unchanged base first): chr16-89812-CG-C. GRCh37 (hg19) VCF-style: chr16-139810-CG-C.
Other names: c.714del, p.Ser238fs (NM_001039476.3); c.1017del, p.Ser339fs (NM_001243247.2); c.1176del, p.Ser392fs (NM_001243248.2, NM_001243249.2); c.1251delC (NM_001077350.3); short protein forms S238fs, S339fs, S392fs, S417fs.
Identifiers: ClinVar variation 4879366 (VCV004879366.1).

ClinVar aggregate classification (germline): Likely pathogenic (1 of 4 stars; one submission).

Conditions:
Isolated focal cortical dysplasia. Identifiers: Orphanet 65683, MedGen C4707795, MONDO:0019009.

Submission:

Human Genome Lab, NIMHANS, National Institute of Mental Health and Neuro Sciences
Classification: Likely pathogenic for Isolated focal cortical dysplasia. Last evaluated: 2024-01-10. Review status: criteria provided, single submitter. Criteria: ACMG Guidelines, 2015. Collection method: clinical testing. Allele origin: germline. Affected: yes. Observed: 1 variant allele.
Comment: The frameshift deletion NM_001077350.3(NPRL3):c.1251delC (p.Ser417Argfs*40) has not been reported previously as a pathogenic variant nor as a benign variant, to our knowledge. The p.Ser417Argfs*40 variant is novel (not in any individuals) in 1kG All. The p.Ser417Argfs*40 variant is novel (not in any individuals) in gnomAD Genomes v3 All. The p.Ser417Argfs*40 variant is novel (not in any individuals) in TopMed All. The p.Ser417Argfs*40 variant is novel (not in any individuals) in gnomAD4-Joint-Variant Frequencies. This variant is predicted to cause loss of normal protein function through protein truncation caused a frameshift mutation. The frame shifted sequence continues 40 residues until a stop codon is reached. This variant is a frameshift variant which occurs in an exon of NPRL3 upstream of where nonsense mediated decay is predicted to occur. There are 14 downstream pathogenic loss of function variants, with the furthest variant being 88 residues downstream of this variant. This indicates that the region is critical to protein function. The p.Ser417Argfs*40 variant is a loss of function variant in the gene NPRL3, which is intolerant of Loss of Function variants, as indicated by the presence of existing pathogenic loss of function variant NP_001070818.1:p.S6Afs*5 and 83 others. For these reasons, this variant has been classified as Likely Pathogenic. (ACMG Criteria PM2 PVS1)